The following is an entry in ClinVar:

ClinVar aggregate classification (germline): Uncertain significance (1 of 4 stars; one submission).

Conditions:
Joubert syndrome 15 (JBTS15). Identifiers: Orphanet 475, MedGen C3280897, MONDO:0013763, OMIM 614464.

Submission:

Labcorp Genetics (formerly Invitae), Labcorp
Classification: Uncertain significance for Joubert syndrome 15. Last evaluated: 2021-03-11. Review status: criteria provided, single submitter. Criteria: Invitae Variant Classification Sherloc (09022015). Collection method: clinical testing. Allele origin: germline.
Comment: This sequence change replaces methionine with isoleucine at codon 239 of the CEP41 protein (p.Met239Ile). The methionine residue is highly conserved and there is a small physicochemical difference between methionine and isoleucine. This variant is not present in population databases (ExAC no frequency). This variant has not been reported in the literature in individuals with CEP41-related conditions. Algorithms developed to predict the effect of missense changes on protein structure and function are either unavailable or do not agree on the potential impact of this missense change (SIFT: "Deleterious"; PolyPhen-2: "Possibly Damaging"; Align-GVGD: "Class C0"). In summary, the available evidence is currently insufficient to determine the role of this variant in disease. Therefore, it has been classified as a Variant of Uncertain Significance.

NM_018718.3(CEP41):c.717G>T (p.Met239Ile)

Gene: CEP41 (centrosomal protein 41; minus strand). Cytogenetic location: 7q32.2.
Variant type: single nucleotide variant.
Coding change: c.717G>T on transcript NM_018718.3 (MANE Select); coding-DNA position 717, G replaced by T.
Protein change: p.Met239Ile; replaces methionine 239 with isoleucine.
Molecular consequence: missense variant. On other transcripts: non-coding transcript variant (1).
Genome position (GRCh38, 1-based): chr7:130,400,747, C>A on the plus strand (G>T on the coding strand, the complement: CEP41 is on the minus strand). VCF-style: chr7-130400747-C-A. GRCh37 (hg19) VCF-style: chr7-130040588-C-A.
Other names: c.717G>T, p.Met239Ile (NM_001257158.2); c.669G>T, p.Met223Ile (NM_001257159.2); short protein forms M239I, M223I.
Identifiers: ClinVar variation 1471485 (VCV001471485.8), dbSNP rs2117555395, ClinGen allele CA369287837.